The following is an entry in ClinVar:

NM_006939.4(SOS2):c.758T>C (p.Leu253Ser)

Gene: SOS2 (SOS Ras/Rho guanine nucleotide exchange factor 2; minus strand). Cytogenetic location: 14q21.3.
Variant type: single nucleotide variant.
Coding change: c.758T>C on transcript NM_006939.4 (MANE Select); coding-DNA position 758, T replaced by C.
Protein change: p.Leu253Ser; replaces leucine 253 with serine.
Molecular consequence: missense variant.
Genome position (GRCh38, 1-based): chr14:50,182,563, A>G on the plus strand (T>C on the coding strand, the complement: SOS2 is on the minus strand). VCF-style: chr14-50182563-A-G. GRCh37 (hg19) VCF-style: chr14-50649281-A-G.
Other names: c.758T>C, p.Leu253Ser (NM_001411020.1); short protein forms L253S.
Identifiers: ClinVar variation 3225972 (VCV003225972.1), dbSNP rs2503104878, ClinGen allele CA389647810.

ClinVar aggregate classification (germline): Uncertain significance (1 of 4 stars; one submission).

Conditions:
Cardiovascular phenotype. Identifiers: MedGen CN230736.

Submission:

Ambry Genetics
Classification: Uncertain significance for Cardiovascular phenotype. Last evaluated: 2023-11-14. Review status: criteria provided, single submitter. Criteria: Ambry Variant Classification Scheme 2023. Collection method: clinical testing. Allele origin: germline.
Comment: The p.L253S variant (also known as c.758T>C), located in coding exon 6 of the SOS2 gene, results from a T to C substitution at nucleotide position 758. The leucine at codon 253 is replaced by serine, an amino acid with dissimilar properties. This amino acid position is conserved. In addition, this alteration is predicted to be deleterious by in silico analysis. Since supporting evidence is limited at this time, the clinical significance of this alteration remains unclear.